The following is an entry in ClinVar:

ClinVar aggregate classification (germline): Pathogenic (1 of 4 stars; one submission).

Conditions:
Cardiovascular phenotype. Identifiers: MedGen CN230736.
Hereditary cancer-predisposing syndrome. Also called: Neoplastic Syndromes, Hereditary; Hereditary Cancer Syndrome; Tumor predisposition; Hereditary neoplastic syndrome. Identifiers: Orphanet 140162, MedGen C0027672, MeSH D009386, MONDO:0015356.

Submission:

Ambry Genetics
Classification: Pathogenic for Cardiovascular phenotype; Hereditary cancer-predisposing syndrome. Last evaluated: 2023-02-09. Review status: criteria provided, single submitter. Criteria: Ambry Variant Classification Scheme 2023. Collection method: clinical testing. Allele origin: germline.
Comment: The c.1283delC pathogenic mutation, located in coding exon 12 of the LZTR1 gene, results from a deletion of one nucleotide at nucleotide position 1283, causing a translational frameshift with a predicted alternate stop codon (p.T428Sfs*33). This alteration is expected to result in loss of function by premature protein truncation or nonsense-mediated mRNA decay. Loss-of-function variants in LZTR1 are related to an increased risk for schwannomas and autosomal recessive Noonan syndrome; however, such associations with autosomal dominant Noonan syndrome have not been observed (Piotrowski A et al. Nat Genet. 2014 Feb;46:182-7; Yamamoto GL et al. J Med Genet. 2015 Jun;52:413-21; Johnston JJ et al. Genet Med. 2018 10;20:1175-1185). Based on the supporting evidence, this variant is pathogenic for an increased risk of LZTR1-related schwannomatosis (SWN) and would be expected to cause autosomal recessive Noonan syndrome when present along with a second pathogenic or likely pathogenic variant on the other allele; however, the association of this alteration with autosomal dominant Noonan syndrome is unlikely.

NM_006767.4(LZTR1):c.1283del (p.Thr428fs)

Gene: LZTR1 (leucine zipper like post translational regulator 1; plus strand). Cytogenetic location: 22q11.21.
Variant type: Deletion.
Coding change: c.1283del on transcript NM_006767.4 (MANE Select); coding-DNA position 1283, one base deleted (C; older notation c.1283delC).
Protein change: p.Thr428fs; shifts the reading frame from threonine 428.
Molecular consequence: frameshift variant.
Genome position (GRCh38, 1-based): chr22:20,993,684, C deleted. VCF-style (leftmost placement, unchanged base first): chr22-20993683-AC-A. GRCh37 (hg19) VCF-style: chr22-21347972-AC-A.
Other names: short protein forms T428fs.
Identifiers: ClinVar variation 2447744 (VCV002447744.2), dbSNP rs2518619922, ClinGen allele CA2580099150.